The following is an entry in ClinVar:

NM_004991.4(MECOM):c.700A>G (p.Thr234Ala)

Gene: MECOM (MDS1 and EVI1 complex locus; minus strand). Cytogenetic location: 3q26.2.
Variant type: single nucleotide variant.
Coding change: c.700A>G on transcript NM_004991.4 (MANE Select); coding-DNA position 700, A replaced by G.
Protein change: p.Thr234Ala; replaces threonine 234 with alanine.
Molecular consequence: missense variant.
Genome position (GRCh38, 1-based): chr3:169,127,974, T>C on the plus strand (A>G on the coding strand, the complement: MECOM is on the minus strand). VCF-style: chr3-169127974-T-C. GRCh37 (hg19) VCF-style: chr3-168845762-T-C.
Other names: c.136A>G, p.Thr46Ala (NM_005241.4, NM_001105078.4, NM_001163999.2 and 9 more transcripts); c.700A>G (NM_004991.3); c.328A>G, p.Thr110Ala (NM_001105077.4); c.700A>G, p.Thr234Ala (NM_001366466.2, NM_001366473.2); short protein forms T110A, T234A, T46A.
Identifiers: ClinVar variation 2044285 (VCV002044285.5), dbSNP rs752321051, ClinGen allele CA2696489.
Genomic context (GRCh38, chr3:169,127,974, plus strand): 5'-TCTCGCTTTCGAGTTTTTGCTGAAAGTCCTCTTCAACCATTGAAAATGCTGAGTGAGGAG[T>C]ACTGCATGGAAACTTTTGGTGATCTGCTAGTTCAGCCTTAGATTCAAAGAGCTGGTCACA-3'
Protein context (NP_004982.2, residues 224-244): LADHQKFPCS[Thr234Ala]PHSAFSMVEE

ClinVar aggregate classification (germline): Uncertain significance. Review status: criteria provided, multiple submitters, no conflicts (2 of 4 stars). 2 submissions from 2 submitters: Uncertain significance (2). Last evaluated 2025-03-01.

Conditions:
Inborn genetic diseases. Identifiers: MedGen C0950123, MeSH D030342.

Allele frequency attached by ClinVar (database versions not stated): ExAC 0.00002; gnomAD 0.00005; TOPMed 0.00008.
gnomAD v4.1: 10 of 1,613,876 alleles (0.00062%); highest among the groups gnomAD compares: African/African-American, 0.013%; no homozygotes.

Submissions (2):

Ambry Genetics
Classification: Uncertain significance for Inborn genetic diseases. Last evaluated: 2025-03-01. Review status: criteria provided, single submitter. Criteria: Ambry Variant Classification Scheme 2023. Collection method: clinical testing. Allele origin: germline.

Labcorp Genetics (formerly Invitae), Labcorp
Classification: Uncertain significance. Last evaluated: 2023-02-16. Review status: criteria provided, single submitter. Criteria: Invitae Variant Classification Sherloc (09022015). Collection method: clinical testing. Allele origin: germline.
Comment: This sequence change replaces threonine, which is neutral and polar, with alanine, which is neutral and non-polar, at codon 46 of the MECOM protein (p.Thr46Ala). In summary, the available evidence is currently insufficient to determine the role of this variant in disease. Therefore, it has been classified as a Variant of Uncertain Significance. An algorithm developed to predict the effect of missense changes on protein structure and function (PolyPhen-2) suggests that this variant is likely to be tolerated. This variant has not been reported in the literature in individuals affected with MECOM-related conditions. This variant is present in population databases (rs752321051, gnomAD 0.02%).